The following is an entry in ClinVar:

NM_000406.3(GNRHR):c.743-1G>A

Gene: GNRHR (gonadotropin releasing hormone receptor; minus strand). Cytogenetic location: 4q13.2.
Variant type: single nucleotide variant.
Coding change: c.743-1G>A on transcript NM_000406.3 (MANE Select); the canonical splice acceptor site of the intron before coding-DNA position 743, G replaced by A.
Molecular consequence: splice acceptor variant.
Genome position (GRCh38, 1-based): chr4:67,740,725, C>T on the plus strand (G>A on the coding strand, the complement: GNRHR is on the minus strand). VCF-style: chr4-67740725-C-T. GRCh37 (hg19) VCF-style: chr4-68606443-C-T.
Other names: c.615-1G>A (NM_001012763.2).
Identifiers: ClinVar variation 4681973 (VCV004681973.5).

ClinVar aggregate classification (germline): Likely pathogenic (1 of 4 stars; one submission).

Submission:

CeGaT Center for Human Genetics Tuebingen
Classification: Likely pathogenic. Last evaluated: 2025-12-01. Review status: criteria provided, single submitter. Criteria: CeGaT Center For Human Genetics Tuebingen Variant Classification Criteria Version 2. Collection method: clinical testing. Allele origin: germline. Affected: yes. Observed: 1 variant allele.
Comment: GNRHR: PVS1:Strong, PM2